The following is an entry in ClinVar:

ClinVar aggregate classification (germline): Uncertain significance (1 of 4 stars; one submission).

Allele frequency attached by ClinVar (database versions not stated): ExAC 0.00001; gnomAD 0.00001; TOPMed 0.00001.
gnomAD v4.1: 1 of 1,613,506 alleles (0.000062%); highest among the groups gnomAD compares: African/African-American, 0.0013%; no homozygotes.

Submission:

Labcorp Genetics (formerly Invitae), Labcorp
Classification: Uncertain significance. Last evaluated: 2022-08-22. Review status: criteria provided, single submitter. Criteria: Invitae Variant Classification Sherloc (09022015). Collection method: clinical testing. Allele origin: germline.
Comment: In summary, the available evidence is currently insufficient to determine the role of this variant in disease. Therefore, it has been classified as a Variant of Uncertain Significance. Experimental studies and prediction algorithms are not available or were not evaluated, and the functional significance of this variant is currently unknown. This variant has not been reported in the literature in individuals affected with VPS11-related conditions. This variant is not present in population databases (gnomAD no frequency). This sequence change replaces serine, which is neutral and polar, with asparagine, which is neutral and polar, at codon 400 of the VPS11 protein (p.Ser400Asn).

NM_021729.6(VPS11):c.1199G>A (p.Ser400Asn)

Gene: VPS11 (VPS11 core subunit of CORVET and HOPS complexes; plus strand). Cytogenetic location: 11q23.3.
Variant type: single nucleotide variant.
Coding change: c.1199G>A on transcript NM_021729.6 (MANE Select); coding-DNA position 1199, G replaced by A.
Protein change: p.Ser400Asn; replaces serine 400 with asparagine.
Molecular consequence: missense variant. On other transcripts: non-coding transcript variant (8).
Genome position (GRCh38, 1-based): chr11:119,073,912, G>A. VCF-style: chr11-119073912-G-A. GRCh37 (hg19) VCF-style: chr11-118944622-G-A.
Other names: c.1169G>A, p.Ser390Asn (NM_001290185.2); c.1211G>A, p.Ser404Asn (NM_001378218.1); c.1199G>A, p.Ser400Asn (NM_001378219.1); c.1184G>A, p.Ser395Asn (NM_001378220.1); c.1181G>A, p.Ser394Asn (NM_001378221.1); short protein forms S390N, S394N, S395N, S400N, S404N.
Identifiers: ClinVar variation 2419037 (VCV002419037.6), dbSNP rs782414655, ClinGen allele CA6313363.